The following is an entry in ClinVar:

NM_000179.3(MSH6):c.154G>A (p.Glu52Lys)

Gene: MSH6 (mutS homolog 6; plus strand). Cytogenetic location: 2p16.3.
Variant type: single nucleotide variant.
Coding change: c.154G>A on transcript NM_000179.3 (MANE Select); coding-DNA position 154, G replaced by A.
Protein change: p.Glu52Lys; replaces glutamic acid 52 with lysine.
Molecular consequence: missense variant. On other transcripts: 5 prime UTR variant (1).
Genome position (GRCh38, 1-based): chr2:47,783,387, G>A. VCF-style: chr2-47783387-G-A. GRCh37 (hg19) VCF-style: chr2-48010526-G-A.
Other names: c.154G>A, p.Glu52Lys (NM_001281492.2); c.-583G>A (NM_001281493.2); short protein forms E52K.
Identifiers: ClinVar variation 968818 (VCV000968818.16), dbSNP rs1114167719, ClinGen allele CA346734947.

ClinVar aggregate classification (germline): Uncertain significance. Review status: criteria provided, multiple submitters, no conflicts (2 of 4 stars). 5 submissions from 5 submitters: Uncertain significance (5). Last evaluated 2025-12-29.

Conditions:
Hereditary nonpolyposis colorectal neoplasms. Identifiers: MedGen C0009405, MeSH D003123.
Endometrial carcinoma. Also called: Endometrial carcinoma, somatic. Identifiers: MedGen C0476089, MONDO:0002447, OMIM 608089, HP:0012114.
Hereditary cancer-predisposing syndrome. Also called: Neoplastic Syndromes, Hereditary; Hereditary Cancer Syndrome; Tumor predisposition; Hereditary neoplastic syndrome. Identifiers: Orphanet 140162, MedGen C0027672, MeSH D009386, MONDO:0015356.

Allele frequency attached by ClinVar (database versions not stated): TOPMed below 0.00001.

Submissions (5):

Center for Genomic Medicine, Rigshospitalet, Copenhagen University Hospital
Classification: Uncertain significance. Last evaluated: 2025-12-29. Review status: criteria provided, single submitter. Criteria: ACMG Guidelines, 2015. Collection method: clinical testing. Allele origin: germline.
Comment: Classification criteria: BP4, PM2

Ambry Genetics
Classification: Uncertain significance for Hereditary cancer-predisposing syndrome. Last evaluated: 2024-04-30. Review status: criteria provided, single submitter. Criteria: Ambry Variant Classification Scheme 2023. Collection method: clinical testing. Allele origin: germline.
Comment: The p.E52K variant (also known as c.154G>A), located in coding exon 1 of the MSH6 gene, results from a G to A substitution at nucleotide position 154. The glutamic acid at codon 52 is replaced by lysine, an amino acid with similar properties. This amino acid position is not well conserved in available vertebrate species. In addition, this alteration is predicted to be tolerated by in silico analysis. Based on the available evidence, the clinical significance of this variant remains unclear.

Baylor Genetics
Classification: Uncertain significance for Endometrial carcinoma. Last evaluated: 2024-02-16. Review status: criteria provided, single submitter. Criteria: ACMG Guidelines, 2015. Collection method: clinical testing. Allele origin: unknown.

GeneDx
Classification: Uncertain significance. Last evaluated: 2023-12-21. Review status: criteria provided, single submitter. Criteria: GeneDx Variant Classification Process June 2021. Collection method: clinical testing. Allele origin: germline. Affected: yes.
Comment: Not observed at significant frequency in large population cohorts (gnomAD); In silico analysis supports that this missense variant does not alter protein structure/function; Has not been previously published as pathogenic or benign to our knowledge

Labcorp Genetics (formerly Invitae), Labcorp
Classification: Uncertain significance for Hereditary nonpolyposis colorectal neoplasms. Last evaluated: 2019-11-14. Review status: criteria provided, single submitter. Criteria: Invitae Variant Classification Sherloc (09022015). Collection method: clinical testing. Allele origin: germline.
Comment: In summary, the available evidence is currently insufficient to determine the role of this variant in disease. Therefore, it has been classified as a Variant of Uncertain Significance. Algorithms developed to predict the effect of missense changes on protein structure and function (SIFT, PolyPhen-2, Align-GVGD) all suggest that this variant is likely to be tolerated, but these predictions have not been confirmed by published functional studies and their clinical significance is uncertain. This variant has not been reported in the literature in individuals with MSH6-related conditions. This variant is not present in population databases (ExAC no frequency). This sequence change replaces glutamic acid with lysine at codon 52 of the MSH6 protein (p.Glu52Lys). The glutamic acid residue is weakly conserved and there is a small physicochemical difference between glutamic acid and lysine.